The following is an entry in ClinVar:

NM_000038.6(APC):c.3578dup (p.Ser1194fs)

Gene: APC (APC regulator of Wnt signaling pathway; plus strand). Cytogenetic location: 5q22.2.
Variant type: Duplication.
Coding change: c.3578dup on transcript NM_000038.6 (MANE Select); coding-DNA position 3578, one base duplicated (A; older notation c.3578dupA).
Protein change: p.Ser1194fs; shifts the reading frame from serine 1194.
Molecular consequence: frameshift variant. On other transcripts: non-coding transcript variant (2).
Genome position (GRCh38, 1-based): chr5:112,839,172, A duplicated. VCF-style (leftmost placement, unchanged base first): chr5-112839171-C-CA. GRCh37 (hg19) VCF-style: chr5-112174868-C-CA.
Other names: c.3578dup, p.Ser1194fs (NM_001127510.3, NM_001354895.2, NM_001407450.1); c.3524dup, p.Ser1176fs (NM_001127511.3); c.3632dup, p.Ser1212fs (NM_001354896.2, NM_001407447.1, NM_001407448.1 and 1 more transcripts); c.3608dup, p.Ser1204fs (NM_001354897.2); c.3503dup, p.Ser1169fs (NM_001354898.2); c.3494dup, p.Ser1166fs (NM_001354899.2); c.3455dup, p.Ser1153fs (NM_001354900.2); c.3401dup, p.Ser1135fs (NM_001354901.2, NM_001407453.1); and 11 more; short protein forms S1034fs, S1065fs, S1068fs, S1093fs, S1103fs, S1111fs, S1135fs, S1153fs.
Identifiers: ClinVar variation 2583974 (VCV002583974.1), dbSNP rs2533508995, ClinGen allele CA658760946.

ClinVar aggregate classification (germline): Pathogenic (1 of 4 stars; one submission).

Conditions:
Familial adenomatous polyposis 1 (FAP1). Also called: FAMILIAL ADENOMATOUS POLYPOSIS 1, ATTENUATED; POLYPOSIS, ADENOMATOUS INTESTINAL. Identifiers: MedGen C2713442, MONDO:0021056, OMIM 175100. Disease mechanism: loss of function.

Submission:

Myriad Genetics, Inc.
Classification: Pathogenic for Familial adenomatous polyposis 1. Last evaluated: 2023-05-09. Review status: criteria provided, single submitter. Criteria: Myriad Autosomal Dominant, Autosomal Recessive and X-Linked Classification Criteria (2023). Collection method: clinical testing. Allele origin: unknown.
Comment: This variant is considered pathogenic. This variant creates a frameshift predicted to result in premature protein truncation.